The following is an entry in ClinVar:

NM_005228.5(EGFR):c.2806C>T (p.Pro936Ser)

Gene: EGFR (epidermal growth factor receptor; plus strand). Cytogenetic location: 7p11.2.
Variant type: single nucleotide variant.
Coding change: c.2806C>T on transcript NM_005228.5 (MANE Select); coding-DNA position 2806, C replaced by T.
Protein change: p.Pro936Ser; replaces proline 936 with serine.
Molecular consequence: missense variant.
Genome position (GRCh38, 1-based): chr7:55,198,821, C>T. VCF-style: chr7-55198821-C-T. GRCh37 (hg19) VCF-style: chr7-55266514-C-T.
Other names: c.2671C>T, p.Pro891Ser (NM_001346897.2, NM_001346899.2); c.2806C>T, p.Pro936Ser (NM_001346898.2); c.2647C>T, p.Pro883Ser (NM_001346900.2); c.2005C>T, p.Pro669Ser (NM_001346941.2); short protein forms P883S, P936S, P669S, P891S.
Identifiers: ClinVar variation 1929646 (VCV001929646.6), dbSNP rs1787729003, ClinGen allele CA367581398.

ClinVar aggregate classification (germline): Uncertain significance. Review status: criteria provided, multiple submitters, no conflicts (2 of 4 stars). 2 submissions from 2 submitters: Uncertain significance (2). Last evaluated 2025-12-26.

Conditions:
Hereditary cancer-predisposing syndrome. Also called: Tumor predisposition; Hereditary Cancer Syndrome; Hereditary neoplastic syndrome; Neoplastic Syndromes, Hereditary. Identifiers: Orphanet 140162, MedGen C0027672, MeSH D009386, MONDO:0015356.
EGFR-related lung cancer (EGFR). Identifiers: MedGen CN130014.

Allele frequency attached by ClinVar (database versions not stated): gnomAD exomes below 0.00001.
gnomAD v4.1: 4 of 1,614,196 alleles (0.00025%); highest among the groups gnomAD compares: Admixed American, 0.0033%; no homozygotes.

Submissions (2):

Ambry Genetics
Classification: Uncertain significance for Hereditary cancer-predisposing syndrome. Last evaluated: 2025-12-26. Review status: criteria provided, single submitter. Criteria: Ambry Variant Classification Scheme 2023. Collection method: clinical testing. Allele origin: germline.
Comment: The p.P936S variant (also known as c.2806C>T), located in coding exon 23 of the EGFR gene, results from a C to T substitution at nucleotide position 2806. The proline at codon 936 is replaced by serine, an amino acid with similar properties. This amino acid position is conserved. In addition, the in silico prediction for this alteration is inconclusive. Based on the available evidence, the clinical significance of this variant remains unclear.

Labcorp Genetics (formerly Invitae), Labcorp
Classification: Uncertain significance for EGFR-related lung cancer. Last evaluated: 2022-06-26. Review status: criteria provided, single submitter. Criteria: Invitae Variant Classification Sherloc (09022015). Collection method: clinical testing. Allele origin: germline.
Comment: In summary, the available evidence is currently insufficient to determine the role of this variant in disease. Therefore, it has been classified as a Variant of Uncertain Significance. Algorithms developed to predict the effect of missense changes on protein structure and function (SIFT, PolyPhen-2, Align-GVGD) all suggest that this variant is likely to be disruptive. This variant has not been reported in the literature in individuals affected with EGFR-related conditions. This variant is not present in population databases (gnomAD no frequency). This sequence change replaces proline, which is neutral and non-polar, with serine, which is neutral and polar, at codon 936 of the EGFR protein (p.Pro936Ser).